The following is an entry in ClinVar:

ClinVar aggregate classification (germline): Uncertain significance. Review status: criteria provided, multiple submitters, no conflicts (2 of 4 stars). 2 submissions from 2 submitters: Uncertain significance (2). Last evaluated 2023-10-19.

Allele frequency attached by ClinVar (database versions not stated): gnomAD exomes below 0.00001.
gnomAD v4.1: 2 of 1,613,982 alleles (0.00012%); highest among the groups gnomAD compares: Admixed American, 0.0017%; no homozygotes.

Submissions (2):

Blueprint Genetics
Classification: Uncertain significance. Last evaluated: 2023-10-19. Review status: criteria provided, single submitter. Criteria: ACMG Guidelines, 2015. Collection method: clinical testing. Allele origin: germline.

Labcorp Genetics (formerly Invitae), Labcorp
Classification: Uncertain significance. Last evaluated: 2021-12-25. Review status: criteria provided, single submitter. Criteria: Invitae Variant Classification Sherloc (09022015). Collection method: clinical testing. Allele origin: germline.
Comment: This sequence change replaces glutamic acid, which is acidic and polar, with aspartic acid, which is acidic and polar, at codon 606 of the CEP250 protein (p.Glu606Asp). This variant is not present in population databases (gnomAD no frequency). This variant has not been reported in the literature in individuals affected with CEP250-related conditions. Algorithms developed to predict the effect of missense changes on protein structure and function are either unavailable or do not agree on the potential impact of this missense change (SIFT: "Not Available"; PolyPhen-2: "Probably Damaging"; Align-GVGD: "Not Available"). In summary, the available evidence is currently insufficient to determine the role of this variant in disease. Therefore, it has been classified as a Variant of Uncertain Significance.

NM_007186.6(CEP250):c.1818G>C (p.Glu606Asp)

Genes: CEP250-AS1 (CEP250 antisense RNA 1; minus strand), CEP250 (centrosomal protein 250; plus strand). Cytogenetic location: 20q11.22.
Variant type: single nucleotide variant.
Coding change: c.1818G>C on transcript NM_007186.6 (MANE Select); coding-DNA position 1818, G replaced by C.
Protein change: p.Glu606Asp; replaces glutamic acid 606 with aspartic acid.
Molecular consequence: missense variant. On other transcripts: 5 prime UTR variant (1).
Genome position (GRCh38, 1-based): chr20:35,476,550, G>C. VCF-style: chr20-35476550-G-C. GRCh37 (hg19) VCF-style: chr20-34064375-G-C.
Other names: c.-82G>C (NM_001318219.1); short protein forms E606D.
Identifiers: ClinVar variation 1976468 (VCV001976468.6), dbSNP rs2515729685, ClinGen allele CA408765046.